The following is an entry in ClinVar:

ClinVar aggregate classification (germline): Uncertain significance. Review status: criteria provided, multiple submitters, no conflicts (2 of 4 stars). 2 submissions from 2 submitters: Uncertain significance (2). Last evaluated 2025-08-27.

Conditions:
Cardiomyopathy (CMYO). Also called: Cardiomyopathies. Identifiers: Orphanet 167848, MedGen C0878544, MONDO:0004994, HP:0001638. Inheritance: Various modes of inheritance.

Allele frequency attached by ClinVar (database versions not stated): TOPMed below 0.00001; ExAC 0.00001; gnomAD exomes below 0.00001.
gnomAD v4.1: 2 of 1,613,990 alleles (0.00012%); highest among the groups gnomAD compares: Non-Finnish European, 0.00017%; no homozygotes.

Submissions (2):

Color Diagnostics, LLC DBA Color Health
Classification: Uncertain significance for Cardiomyopathy. Last evaluated: 2025-08-27. Review status: criteria provided, single submitter. Criteria: ACMG Guidelines, 2015. Collection method: clinical testing. Allele origin: germline.
Comment: This missense variant replaces isoleucine with phenylalanine at codon 1707 of the MYH7 protein. Computational prediction suggests that this variant may not impact protein structure and function. To our knowledge, functional studies have not been reported for this variant. This variant has been reported in an individual affected with hypertrophic cardiomyopathy (PMID: 27247418). This variant has been identified in 1/251092 chromosomes in the general population by the Genome Aggregation Database (gnomAD). The available evidence is insufficient to determine the role of this variant in disease conclusively. Therefore, this variant is classified as a Variant of Uncertain Significance.

All of Us Research Program, National Institutes of Health
Classification: Uncertain significance for Cardiomyopathy. Last evaluated: 2023-12-18. Review status: criteria provided, single submitter. Criteria: ACMG Guidelines, 2015. Collection method: clinical testing. Allele origin: germline. Inheritance: Autosomal dominant inheritance. Observed: 4 variant alleles, 4 heterozygotes.
Comment: This missense variant replaces isoleucine with phenylalanine at codon 1707 of the MYH7 protein. Computational prediction suggests that this variant may not impact protein structure and function (internally defined REVEL score threshold <= 0.5, PMID: 27666373). To our knowledge, functional studies have not been reported for this variant. This variant has been reported in an individual affected with hypertrophic cardiomyopathy (PMID: 27247418). This variant has been identified in 1/251092 chromosomes in the general population by the Genome Aggregation Database (gnomAD). The available evidence is insufficient to determine the role of this variant in disease conclusively. Therefore, this variant is classified as a Variant of Uncertain Significance.

This study involves interpretation of variants in research participants for the purpose of population health screening. Participant phenotype was not available at the time of variant classification. Additional details can be found in publication PMID: 35346344, PMCID: PMC8962531

Literature cited by the submitters: PubMed 27247418 (cited by Color Diagnostics, LLC DBA Color Health and All of Us Research Program, National Institutes of Health).

NM_000257.4(MYH7):c.5119A>T (p.Ile1707Phe)

Genes: MHRT (myosin heavy chain associated RNA transcript; plus strand), MYH7 (myosin heavy chain 7; minus strand), LOC126861897 (BRD4-independent group 4 enhancer GRCh37_chr14:23884455-23885654; plus strand). Cytogenetic location: 14q11.2.
Variant type: single nucleotide variant.
Coding change: c.5119A>T on transcript NM_000257.4 (MANE Select); coding-DNA position 5119, A replaced by T.
Protein change: p.Ile1707Phe; replaces isoleucine 1707 with phenylalanine.
Molecular consequence: missense variant. On other transcripts: non-coding transcript variant (1).
Genome position (GRCh38, 1-based): chr14:23,415,667, T>A on the plus strand (A>T on the coding strand, the complement: MYH7 is on the minus strand). VCF-style: chr14-23415667-T-A. GRCh37 (hg19) VCF-style: chr14-23884876-T-A.
Other names: short protein forms I1707F.
Identifiers: ClinVar variation 919288 (VCV000919288.7), dbSNP rs763791649, ClinGen allele CA045358.
Genomic context (GRCh38, chr14:23,415,667, plus strand): 5'-AATGAGCAGGGGAGCTGCTCACCTGGGAATGCAGCAGCTGCACCCGCTCACTAGTCTCAA[T>A]CAGCTCCTGCTCCGCCAGCTTCCGGGACCGCTCTGTCTGCTCCACCACGGCACGCAACTC-3'
Protein context (NP_000248.2, residues 1697-1717): RSRKLAEQEL[Ile1707Phe]ETSERVQLLH